The following is an entry in ClinVar:

ClinVar aggregate classification (germline): Pathogenic (1 of 4 stars; one submission).

Conditions:
Hypertrophic cardiomyopathy. Also called: HYPERTROPHIC MYOCARDIOPATHY. Identifiers: Orphanet 217569, MedGen C0007194, MeSH D002312, MONDO:0005045, HP:0001639.

Submission:

Labcorp Genetics (formerly Invitae), Labcorp
Classification: Pathogenic for Hypertrophic cardiomyopathy. Last evaluated: 2024-10-04. Review status: criteria provided, single submitter. Criteria: Invitae Variant Classification Sherloc (09022015). Collection method: clinical testing. Allele origin: germline.
Comment: This sequence change creates a premature translational stop signal (p.Ser905Lysfs*146) in the MYBPC3 gene. It is expected to result in an absent or disrupted protein product. Loss-of-function variants in MYBPC3 are known to be pathogenic (PMID: 19574547). This variant is not present in population databases (gnomAD no frequency). This variant has not been reported in the literature in individuals affected with MYBPC3-related conditions. For these reasons, this variant has been classified as Pathogenic.

Literature cited by the submitters: PubMed 19574547.

NM_000256.3(MYBPC3):c.2713dup (p.Ser905fs)

Gene: MYBPC3 (myosin binding protein C3; minus strand). Cytogenetic location: 11p11.2.
Variant type: Duplication.
Coding change: c.2713dup on transcript NM_000256.3 (MANE Select); coding-DNA position 2713, one base duplicated (A; older notation c.2713dupA).
Protein change: p.Ser905fs; shifts the reading frame from serine 905.
Molecular consequence: frameshift variant.
Genome position (GRCh38, 1-based): chr11:47,335,901, T duplicated on the plus strand (A on the coding strand, the reverse complement: MYBPC3 is on the minus strand). VCF-style (leftmost placement, unchanged base first): chr11-47335900-C-CT. GRCh37 (hg19) VCF-style: chr11-47357451-C-CT.
Other names: short protein forms S905fs.
Identifiers: ClinVar variation 3657328 (VCV003657328.2).
Genomic context (GRCh38, chr11:47,335,900, plus strand): 5'-TCCTTTGGGGAGGGGGGTTGGGGGCGGGGACACTCACAGCCCTCTGGGCAGTACTCCACG[C>CT]TGTAGCCATCCAGGCCTCCTGCTCCCACGCGCTCTGGGGGCCGCCACTTGAGGGAGACCG-3'